The following is an entry in ClinVar:

ClinVar aggregate classification (germline): Uncertain significance (1 of 4 stars; one submission).

Conditions:
Brugada syndrome. Also called: Sudden unexpected nocturnal death syndrome; Sudden Unexplained Death Syndrome; Sudden Unexplained Nocturnal Death Syndrome (SUNDS); Sudden unexplained nocturnal death syndrome. Identifiers: Orphanet 130, MedGen C1142166, MONDO:0015263.

gnomAD v4.1: 6 of 1,211,181 alleles (0.0005%); highest among the groups gnomAD compares: Admixed American, 0.0043%; no homozygotes.

Submission:

Labcorp Genetics (formerly Invitae), Labcorp
Classification: Uncertain significance for Brugada syndrome. Last evaluated: 2026-01-09. Review status: criteria provided, single submitter. Criteria: Invitae Variant Classification Sherloc (09022015). Collection method: clinical testing. Allele origin: germline.
Comment: This sequence change replaces alanine, which is neutral and non-polar, with valine, which is neutral and non-polar, at codon 90 of the KCNE5 protein (p.Ala90Val). This variant is present in population databases (no rsID available, gnomAD 0.004%). This variant has not been reported in the literature in individuals affected with KCNE5-related conditions. ClinVar contains an entry for this variant (Variation ID: 3714242). An algorithm developed to predict the effect of missense changes on protein structure and function outputs the following: PolyPhen-2: "Benign". The valine amino acid residue is found in multiple mammalian species, which suggests that this missense change does not adversely affect protein function. In summary, the available evidence is currently insufficient to determine the role of this variant in disease. Therefore, it has been classified as a Variant of Uncertain Significance.

NM_012282.4(KCNE5):c.269C>T (p.Ala90Val)

Gene: KCNE5 (potassium voltage-gated channel subfamily E regulatory subunit 5; minus strand). Cytogenetic location: Xq23.
Variant type: single nucleotide variant.
Coding change: c.269C>T on transcript NM_012282.4 (MANE Select); coding-DNA position 269, C replaced by T.
Protein change: p.Ala90Val; replaces alanine 90 with valine.
Molecular consequence: missense variant.
Genome position (GRCh38, 1-based): chrX:109,624,752, G>A on the plus strand (C>T on the coding strand, the complement: KCNE5 is on the minus strand). VCF-style: chrX-109624752-G-A. GRCh37 (hg19) VCF-style: chrX-108867981-G-A.
Other names: short protein forms A90V.
Identifiers: ClinVar variation 3714242 (VCV003714242.2).